The following is an entry in ClinVar:

ClinVar aggregate classification (germline): Uncertain significance. Review status: criteria provided, multiple submitters, no conflicts (2 of 4 stars). 6 submissions from 6 submitters: Uncertain significance (6). Last evaluated 2026-09-09.

Conditions:
RIN2-related disorder. Also called: RIN2-related condition.
Inborn genetic diseases. Identifiers: MedGen C0950123, MeSH D030342.
RIN2 syndrome. Also called: TALL FOREHEAD, SPARSE HAIR, SKIN HYPEREXTENSIBILITY, AND SCOLIOSIS; MACS SYNDROME. Identifiers: Orphanet 217335, MedGen C2751321, MONDO:0013115, OMIM 613075.

Allele frequency attached by ClinVar (database versions not stated): ESP Exome Variant Server 0.00008; gnomAD 0.00020 and 0.00021; TOPMed 0.00023; gnomAD exomes 0.00031.
gnomAD v4.1: 475 of 1,606,078 alleles (0.03%); highest among the groups gnomAD compares: Middle Eastern, 0.099%; no homozygotes.

Submissions (6):

GeneDx
Classification: Uncertain significance. Last evaluated: 2026-09-09. Review status: criteria provided, single submitter. Criteria: GeneDx Variant Classification Process June 2021. Collection method: clinical testing. Allele origin: germline.
Comment: Has not been previously published as pathogenic or benign to our knowledge; In silico analysis supports that this missense variant has a deleterious effect on protein structure/function

PreventionGenetics, part of Exact Sciences
Classification: Uncertain significance for RIN2-related condition. Last evaluated: 2025-04-23. Review status: criteria provided, single submitter. Criteria: ACMG Guidelines, 2015. Collection method: clinical testing. Allele origin: germline.
Comment: The RIN2 c.2545A>T variant is predicted to result in the amino acid substitution p.Ser849Cys. To our knowledge, this variant has not been reported in the literature. This variant is reported in 0.036% of alleles in individuals of European (Non-Finnish) descent in gnomAD. At this time, the clinical significance of this variant is uncertain due to the absence of conclusive functional and genetic evidence.

Ambry Genetics
Classification: Uncertain significance for Inborn genetic diseases. Last evaluated: 2025-04-03. Review status: criteria provided, single submitter. Criteria: Ambry Variant Classification Scheme 2023. Collection method: clinical testing. Allele origin: germline.

Women's Health and Genetics/Laboratory Corporation of America, LabCorp
Classification: Uncertain significance. Last evaluated: 2023-05-12. Review status: criteria provided, single submitter. Criteria: LabCorp Variant Classification Summary - May 2015. Collection method: clinical testing. Allele origin: germline.
Comment: Variant summary: RIN2 c.2398A>T (p.Ser800Cys) results in a non-conservative amino acid change located in the Ras-associating domain (IPR000159) of the encoded protein sequence. Four of five in-silico tools predict a damaging effect of the variant on protein function. The variant allele was found at a frequency of 0.00021 in 247666 control chromosomes. To our knowledge, no occurrence of c.2398A>T in individuals affected with RIN2 Syndrome and no experimental evidence demonstrating its impact on protein function have been reported. Four clinical diagnostic laboratories have submitted clinical-significance assessments for this variant to ClinVar after 2014 without evidence for independent evaluation. All laboratories classified the variant as uncertain significance. Based on the evidence outlined above, the variant was classified as uncertain significance.

Labcorp Genetics (formerly Invitae), Labcorp
Classification: Uncertain significance. Last evaluated: 2022-10-31. Review status: criteria provided, single submitter. Criteria: Invitae Variant Classification Sherloc (09022015). Collection method: clinical testing. Allele origin: germline.
Comment: This sequence change replaces serine, which is neutral and polar, with cysteine, which is neutral and slightly polar, at codon 800 of the RIN2 protein (p.Ser800Cys). This variant is present in population databases (rs368984007, gnomAD 0.04%). This variant has not been reported in the literature in individuals affected with RIN2-related conditions. ClinVar contains an entry for this variant (Variation ID: 451390). Algorithms developed to predict the effect of missense changes on protein structure and function are either unavailable or do not agree on the potential impact of this missense change (SIFT: "Deleterious"; PolyPhen-2: "Not Available"; Align-GVGD: "Class C0"). In summary, the available evidence is currently insufficient to determine the role of this variant in disease. Therefore, it has been classified as a Variant of Uncertain Significance.

Fulgent Genetics
Classification: Uncertain significance for RIN2 syndrome. Last evaluated: 2021-07-17. Review status: criteria provided, single submitter. Criteria: ACMG Guidelines, 2015. Collection method: clinical testing. Allele origin: unknown.

NM_018993.4(RIN2):c.2398A>T (p.Ser800Cys)

Gene: RIN2 (Ras and Rab interactor 2; plus strand). Cytogenetic location: 20p11.23.
Variant type: single nucleotide variant.
Coding change: c.2398A>T on transcript NM_018993.4 (MANE Select); coding-DNA position 2398, A replaced by T.
Protein change: p.Ser800Cys; replaces serine 800 with cysteine.
Molecular consequence: missense variant.
Genome position (GRCh38, 1-based): chr20:20,000,646, A>T. VCF-style: chr20-20000646-A-T. GRCh37 (hg19) VCF-style: chr20-19981290-A-T.
Other names: c.2545A>T, p.Ser849Cys (NM_001242581.2); c.1780A>T, p.Ser594Cys (NM_001378238.1); c.2545A>T (NM_001242581.1); short protein forms S800C, S849C, S594C.
Identifiers: ClinVar variation 451390 (VCV000451390.17), dbSNP rs368984007, ClinGen allele CA9780297.